The following is an entry in ClinVar:

NM_000229.2(LCAT):c.694T>G (p.Ser232Ala)

Gene: LCAT (lecithin-cholesterol acyltransferase; minus strand). Cytogenetic location: 16q22.1.
Variant type: single nucleotide variant.
Coding change: c.694T>G on transcript NM_000229.2 (MANE Select); coding-DNA position 694, T replaced by G.
Protein change: p.Ser232Ala; replaces serine 232 with alanine.
Molecular consequence: missense variant.
Genome position (GRCh38, 1-based): chr16:67,942,417, A>C on the plus strand (T>G on the coding strand, the complement: LCAT is on the minus strand). VCF-style: chr16-67942417-A-C. GRCh37 (hg19) VCF-style: chr16-67976320-A-C.
Other names: short protein forms S232A.
Identifiers: ClinVar variation 1941138 (VCV001941138.2), dbSNP rs4986970, ClinGen allele CA396377969.

ClinVar aggregate classification (germline): Uncertain significance (1 of 4 stars; one submission).

gnomAD v4.1: 5 of 1,613,798 alleles (0.00031%); highest among the groups gnomAD compares: Admixed American, 0.0067%; no homozygotes.

Submission:

Labcorp Genetics (formerly Invitae), Labcorp
Classification: Uncertain significance. Last evaluated: 2022-03-14. Review status: criteria provided, single submitter. Criteria: Invitae Variant Classification Sherloc (09022015). Collection method: clinical testing. Allele origin: germline.
Comment: This sequence change replaces serine, which is neutral and polar, with alanine, which is neutral and non-polar, at codon 232 of the LCAT protein (p.Ser232Ala). This variant is present in population databases (no rsID available, gnomAD 0.007%). This variant has not been reported in the literature in individuals affected with LCAT-related conditions. Algorithms developed to predict the effect of missense changes on protein structure and function output the following: SIFT: "Deleterious"; PolyPhen-2: "Benign"; Align-GVGD: "Class C25". The alanine amino acid residue is found in multiple mammalian species, which suggests that this missense change does not adversely affect protein function. In summary, the available evidence is currently insufficient to determine the role of this variant in disease. Therefore, it has been classified as a Variant of Uncertain Significance.